The following is an entry in ClinVar:

NM_000384.3(APOB):c.10679A>G (p.Tyr3560Cys)

Gene: APOB (apolipoprotein B; minus strand). Cytogenetic location: 2p24.1.
Variant type: single nucleotide variant.
Coding change: c.10679A>G on transcript NM_000384.3 (MANE Select); coding-DNA position 10679, A replaced by G.
Protein change: p.Tyr3560Cys; replaces tyrosine 3560 with cysteine.
Molecular consequence: missense variant.
Genome position (GRCh38, 1-based): chr2:21,006,189, T>C on the plus strand (A>G on the coding strand, the complement: APOB is on the minus strand). VCF-style: chr2-21006189-T-C. GRCh37 (hg19) VCF-style: chr2-21229061-T-C.
Other names: p.Tyr3560Cys; short protein forms Y3560C.
Identifiers: ClinVar variation 265892 (VCV000265892.31), dbSNP rs745721296, ClinGen allele CA044340.

ClinVar aggregate classification (germline): Conflicting classifications of pathogenicity. Review status: criteria provided, conflicting classifications (1 of 4 stars). 13 submissions from 13 submitters: Pathogenic (2); Likely pathogenic (7); Uncertain significance (4). Last evaluated 2026-07-13.

Conditions:
Cardiovascular phenotype. Identifiers: MedGen CN230736.
APOB-related disorder. Also called: APOB-related condition; APOB-related disorders.
Familial hypobetalipoproteinemia 1. Also called: APOB-Related Familial Hypobetalipoproteinemia; Hypobetalipoproteinemia, normotriglyceridemic; Acanthocytosis with hypobetalipoproteinemia. Identifiers: MedGen C4551990, MONDO:0014252, OMIM 615558.
Hypercholesterolemia, autosomal dominant, type B (FHCL2). Also called: Familial Hypercholesterolemia Type B; Familial hypercholesterolemia 2; Hyperlipoproteinemia Type IIb; APOLIPOPROTEIN B-100, FAMILIAL DEFECTIVE; APOLIPOPROTEIN B-100, FAMILIAL LIGAND-DEFECTIVE; APOB-Related Familial Hypercholesterolemia, Autosomal Dominant. Identifiers: MedGen C1704417, MONDO:0007751, OMIM 144010.
Familial hypercholesterolemia. Also called: Familial hypercholesterolemias; Familial hypercholesterolaemia. Identifiers: MedGen C0020445, MONDO:0005439.
Hypercholesterolemia, familial, 1. Also called: LDL RECEPTOR DISORDER; Hyperlipoproteinemia Type IIa; HYPER-LOW-DENSITY-LIPOPROTEINEMIA; HYPERCHOLESTEROLEMIC XANTHOMATOSIS, FAMILIAL; Fredrickson type IIa hyperlipoproteinemia; Hyperlipoproteinemia type 2. Identifiers: Orphanet 391665, MedGen C0745103, MONDO:0007750, OMIM 143890.

Allele frequency attached by ClinVar (database versions not stated): gnomAD exomes below 0.00001 and 0.00001; ExAC 0.00001; TOPMed 0.00003.
gnomAD v4.1: 1 of 1,614,082 alleles (0.000062%); highest among the groups gnomAD compares: Admixed American, 0.0017%; no homozygotes.

Submissions (13):

Cambridge Genomics Laboratory, East Genomic Laboratory Hub, NHS Genomic Medicine Service
Classification: Likely pathogenic for Familial hypercholesterolaemia. Last evaluated: 2026-07-13. Review status: criteria provided, single submitter. Criteria: ACGS Best Practice Guidelines for Variant Classification in Rare Disease 2020. Collection method: clinical testing. Allele origin: germline. Affected: yes.
Comment: PS4_Moderate,PM2,PP1,PP4

Women's Health and Genetics/Laboratory Corporation of America, LabCorp
Classification: Pathogenic for Hypercholesterolemia, autosomal dominant, type B. Last evaluated: 2026-02-02. Review status: criteria provided, single submitter. Criteria: LabCorp Variant Classification Summary - May 2015. Collection method: clinical testing. Allele origin: germline.
Comment: Variant summary: APOB c.10679A>G (p.Tyr3560Cys) results in a non-conservative amino acid change in the encoded protein sequence. Algorithms developed to predict the effect of missense changes on protein structure and function all suggest that this variant is likely to be disruptive. The variant allele was found at a frequency of 1.2e-05 in 250954 control chromosomes. c.10679A>G has been reported in the literature in multiple individuals affected with Familial Defective Apolipoprotein B/Familial Hypercholesterolaemia (example, Medeiros_2010, Liyange_2008, Vaca_2011, Medeiros_2014, Futema_2021). These data indicate that the variant is very likely to be associated with disease. To our knowledge, no experimental evidence demonstrating an impact on protein function has been reported. The following publications have been ascertained in the context of this evaluation (PMID: 18325181, 21722902, 24627126, 33508743, 20828696). These data indicate that the variant is very likely to be associated with disease. To our knowledge, no experimental evidence demonstrating an impact on protein function has been reported. ClinVar contains an entry for this variant (Variation ID: 265892). Based on the evidence outlined above, the variant was classified as pathogenic.

Labcorp Genetics (formerly Invitae), Labcorp
Classification: Pathogenic for Familial hypobetalipoproteinemia 1; Hypercholesterolemia, autosomal dominant, type B. Last evaluated: 2026-01-19. Review status: criteria provided, single submitter. Criteria: Invitae Variant Classification Sherloc (09022015). Collection method: clinical testing. Allele origin: germline.
Comment: This sequence change replaces tyrosine, which is neutral and polar, with cysteine, which is neutral and slightly polar, at codon 3560 of the APOB protein (p.Tyr3560Cys). This variant is present in population databases (rs745721296, gnomAD 0.009%). This missense change has been observed in individuals with hypercholesterolemia (PMID: 18325181, 20828696, 21722902, 28895539; internal data). It has also been observed to segregate with disease in related individuals. This variant is also known as p.Tyr3533Cys. ClinVar contains an entry for this variant (Variation ID: 265892). Invitae Evidence Modeling of protein sequence and biophysical properties (such as structural, functional, and spatial information, amino acid conservation, physicochemical variation, residue mobility, and thermodynamic stability) has been performed for this missense variant. However, the output from this modeling did not meet the statistical confidence thresholds required to predict the impact of this variant on APOB protein function. For these reasons, this variant has been classified as Pathogenic.

GeneDx
Classification: Uncertain significance. Last evaluated: 2025-05-19. Review status: criteria provided, single submitter. Criteria: GeneDx Variant Classification Process June 2021. Collection method: clinical testing. Allele origin: germline.
Comment: Identified in patients with FH in published literature (PMID: 20828696, 21722902, 28895539, 34037665, 34297352); Not observed at significant frequency in large population cohorts (gnomAD); In silico analysis supports that this missense variant has a deleterious effect on protein structure/function; Also known as p.(Y3533C); This variant is associated with the following publications: (PMID: 18325181, 34037665, 28895539, 21722902, 34297352, 20828696, 30710474)

Quest Diagnostics Nichols Institute San Juan Capistrano
Classification: Likely pathogenic. Last evaluated: 2025-05-09. Review status: criteria provided, single submitter. Criteria: Quest Diagnostics criteria. Collection method: clinical testing. Allele origin: unknown.
Comment: The APOB c.10679A>G (p.Tyr3560Cys) variant has been reported in the published literature in individuals and families with familial hypercholesterolemia (PMID: 33508743 (2021), 34037665 (2021), 30710474 (2019), 28895539 (2017), 24627126 (2014), 21722902 (2011), 20828696 (2010), 18325181 (2008)). The frequency of this variant in the general population (Genome Aggregation Database) is uninformative in the assessment of its pathogenicity. Analysis of this variant using bioinformatics tools for the prediction of the effect of amino acid changes on protein structure and function yielded predictions that this variant is damaging. Based on the available information, this variant is classified as likely pathogenic.

Ambry Genetics
Classification: Uncertain significance for Cardiovascular phenotype. Last evaluated: 2024-08-21. Review status: criteria provided, single submitter. Criteria: Ambry Variant Classification Scheme 2023. Collection method: clinical testing. Allele origin: germline.
Comment: The p.Y3560C variant (also known as c.10679A>G), located in coding exon 26 of the APOB gene, results from an A to G substitution at nucleotide position 10679. The tyrosine at codon 3560 is replaced by cysteine, an amino acid with highly dissimilar properties. This variant has been identified in several individuals diagnosed with familial hypercholesterolemia (Lima-Mart&iacute;nez MM et al. Endocrinol Diabetes Nutr, 2017 Oct;64:432-439; Vaca G et al. Atherosclerosis, 2011 Oct;218:391-6; Medeiros AM et al. Atherosclerosis, 2010 Oct;212:553-8; Liyanage KE et al. Ann Clin Biochem, 2008 Mar;45:170-6). This amino acid position is well conserved in available vertebrate species. In addition, the in silico prediction for this alteration is inconclusive. Since supporting evidence is limited at this time, the clinical significance of this alteration remains unclear.

Mayo Clinic Laboratories, Mayo Clinic
Classification: Likely pathogenic. Last evaluated: 2023-09-15. Review status: criteria provided, single submitter. Criteria: ACMG Guidelines, 2015. Collection method: clinical testing. Allele origin: germline. Observed: 1 variant allele.
Comment: PP1, PM2, PS4

ARUP Laboratories, Molecular Genetics and Genomics, ARUP Laboratories
Classification: Likely pathogenic. Last evaluated: 2022-10-19. Review status: criteria provided, single submitter. Criteria: ARUP Molecular Germline Variant Investigation Process 2021. Collection method: clinical testing. Allele origin: germline.
Comment: The APOB c.10679A>G; p.Tyr3560Cys variant (rs745721296), also known as Y3533C, is reported in the literature in multiple individuals with diagnosed or suspected familial hypercholesterolemia (Lima-Martínez 2017, Liyanage 2008, Medeiros 2010, Sturm 2021, Vaca 2011). This variant is also reported in ClinVar (Variation ID: 265892) and is only observed on three alleles in the Genome Aggregation Database, indicating it is not a common polymorphism. The tyrosine at codon 3533 is highly conserved, and computational analyses predict that this variant is deleterious (REVEL: 0.678). Based on available information, this variant is considered to be likely pathogenic. References: Lima-Martínez MM et al. Frequency and clinical and molecular aspects of familial hypercholesterolemia in an endocrinology unit in Ciudad Bolívar, Venezuela. Endocrinol Diabetes Nutr. 2017 Oct;64(8):432-439. English, Spanish. PMID: 28895539. Liyanage KE et al. High-resolution melting analysis for detection of familial ligand-defective apolipoprotein B-100 mutations. Ann Clin Biochem. 2008 Mar;45(Pt 2):170-6. PMID: 18325181. Medeiros AM et al. Update of the Portuguese Familial Hypercholesterolaemia Study. Atherosclerosis. 2010 Oct;212(2):553-8. PMID: 20828696. Sturm AC et al. Limited-Variant Screening vs Comprehensive Genetic Testing for Familial Hypercholesterolemia Diagnosis. JAMA Cardiol. 2021 Aug 1;6(8):902-909. PMID: 34037665. Vaca G et al. Mutational analysis of the LDL receptor and APOB genes in Mexican individuals with autosomal dominant hypercholesterolemia. Atherosclerosis. 2011 Oct;218(2):391-6. Epub 2011 Jun 13. PMID: 21722902.

Mendelics
Classification: Likely pathogenic for Hypercholesterolemia, autosomal dominant, type B. Last evaluated: 2022-05-04. Review status: criteria provided, single submitter. Criteria: Mendelics Assertion Criteria 2019. Collection method: clinical testing. Allele origin: germline.

Laboratory of molecular diagnosis of dyslipidemias, Università egli studi di Napoli Federico II
Classification: Likely pathogenic for Hypercholesterolemia, autosomal dominant, type B. Last evaluated: 2021-05-24. Review status: criteria provided, single submitter. Criteria: ACMG Guidelines, 2015. Collection method: clinical testing. Allele origin: germline. Affected: yes. Observed: 1 variant allele.

Blueprint Genetics
Classification: Likely pathogenic for APOB-related disorders. Last evaluated: 2021-02-17. Review status: criteria provided, single submitter. Criteria: ACMG Guidelines, 2015. Collection method: clinical testing. Allele origin: germline. Affected: yes. Observed: 1 variant allele.

Cardiovascular Research Group, Instituto Nacional de Saude Doutor Ricardo Jorge
Classification: Uncertain significance for Familial hypercholesterolemia. Last evaluated: 2016-03-01. Review status: criteria provided, single submitter. Criteria: ACMG Guidelines, 2015. Collection method: research. Allele origin: germline. Affected: yes.
Comment: 0/190 non-FH alleles

Iberoamerican FH Network
Classification: Uncertain significance for Familial hypercholesterolemia. Last evaluated: 2016-03-01. Review status: criteria provided, single submitter. Criteria: ACMG Guidelines, 2015. Collection method: research. Allele origin: germline.
Comment: Variant present in the databases from Mexico and Venezuela

Literature cited by the submitters: PubMed 18325181 (cited by 6 submitters); PubMed 21722902 (cited by 5 submitters); PubMed 24627126 (cited by 3 submitters); PubMed 33508743 (cited by 3 submitters); PubMed 20828696 (cited by 6 submitters); PubMed 28895539 (cited by 4 submitters); PubMed 30710474 (cited by Quest Diagnostics Nichols Institute San Juan Capistrano and Laboratory of molecular diagnosis of dyslipidemias, Università egli studi di Napoli Federico II); PubMed 34037665 (cited by Quest Diagnostics Nichols Institute San Juan Capistrano and Mayo Clinic Laboratories, Mayo Clinic); PubMed 34297352 (cited by Quest Diagnostics Nichols Institute San Juan Capistrano and Mayo Clinic Laboratories, Mayo Clinic).